The following is an entry in ClinVar:

ClinVar aggregate classification (germline): Uncertain significance (1 of 4 stars; one submission).

Submission:

Labcorp Genetics (formerly Invitae), Labcorp
Classification: Uncertain significance. Last evaluated: 2025-03-17. Review status: criteria provided, single submitter. Criteria: Invitae Variant Classification Sherloc (09022015). Collection method: clinical testing. Allele origin: germline.
Comment: This sequence change replaces alanine, which is neutral and non-polar, with glutamic acid, which is acidic and polar, at codon 200 of the NRL protein (p.Ala200Glu). This variant is not present in population databases (gnomAD no frequency). This variant has not been reported in the literature in individuals affected with NRL-related conditions. ClinVar contains an entry for this variant (Variation ID: 1444638). An algorithm developed to predict the effect of missense changes on protein structure and function (PolyPhen-2) suggests that this variant is likely to be disruptive. In summary, the available evidence is currently insufficient to determine the role of this variant in disease. Therefore, it has been classified as a Variant of Uncertain Significance.

NM_001354768.3(NRL):c.599C>A (p.Ala200Glu)

Genes: NRL (neural retina leucine zipper; minus strand), LOC130055387 (ATAC-STARR-seq lymphoblastoid silent region 5620; plus strand). Cytogenetic location: 14q11.2.
Variant type: single nucleotide variant.
Coding change: c.599C>A on transcript NM_001354768.3 (MANE Select); coding-DNA position 599, C replaced by A.
Protein change: p.Ala200Glu; replaces alanine 200 with glutamic acid.
Molecular consequence: missense variant.
Genome position (GRCh38, 1-based): chr14:24,081,351, G>T on the plus strand (C>A on the coding strand, the complement: NRL is on the minus strand). VCF-style: chr14-24081351-G-T. GRCh37 (hg19) VCF-style: chr14-24550560-G-T.
Other names: c.599C>A, p.Ala200Glu (NM_001354769.1, NM_006177.5); c.284C>A, p.Ala95Glu (NM_001354770.2); short protein forms A200E, A95E.
Identifiers: ClinVar variation 1444638 (VCV001444638.6), dbSNP rs2138869113, ClinGen allele CA389277076.
Genomic context (GRCh38, chr14:24,081,351, plus strand): 5'-TCACAGCGAGCCTTGTAGAGATCGCGCTCCCGGGCCAGGCGGGCCACCTCGGCCCGCAGC[G>T]CGTCCAGCTGGGCGGCCAGGCGGGCGCGCTCGGCCTCCAGCCCGCGCCGCTGCTGCAGCC-3'
Protein context (NP_001341697.1, residues 190-210): ERARLAAQLD[Ala200Glu]LRAEVARLAR